The following is an entry in ClinVar:

NM_006950.3(SYN1):c.1297C>T (p.His433Tyr)

Gene: SYN1 (synapsin I; minus strand). Cytogenetic location: Xp11.3.
Variant type: single nucleotide variant.
Coding change: c.1297C>T on transcript NM_006950.3 (MANE Select); coding-DNA position 1297, C replaced by T.
Protein change: p.His433Tyr; replaces histidine 433 with tyrosine.
Molecular consequence: missense variant.
Genome position (GRCh38, 1-based): chrX:47,575,136, G>A on the plus strand (C>T on the coding strand, the complement: SYN1 is on the minus strand). VCF-style: chrX-47575136-G-A. GRCh37 (hg19) VCF-style: chrX-47434535-G-A.
Other names: p.H433Y:CAT>TAT; c.1297C>T, p.His433Tyr (NM_133499.2); short protein forms H433Y.
Identifiers: ClinVar variation 207470 (VCV000207470.56), dbSNP rs41298474, ClinGen allele CA318949.

ClinVar aggregate classification (germline): Conflicting classifications of pathogenicity. Review status: criteria provided, conflicting classifications (1 of 4 stars). 5 submissions from 5 submitters: Uncertain significance (1); Benign (1); Likely benign (1). 2 of the submissions do not count toward it. Last evaluated 2025-11-13.

Conditions:
SYN1-related disorder. Also called: SYN1-related condition; SYN1-Related Disorders.
Epilepsy, X-linked 1, with variable learning disabilities and behavior disorders. Also called: X-linked epilepsy-learning disabilities-behavior disorders syndrome. Identifiers: Orphanet 85294, MedGen C5774177, MONDO:0010339, OMIM 300491.

Allele frequency attached by ClinVar (database versions not stated): 1000 Genomes Project 0.00026; gnomAD exomes 0.00035 and 0.00124; gnomAD 0.00038; 1000 Genomes Project 30x 0.00042; ExAC 0.00216; ESP Exome Variant Server 0.00057; TOPMed 0.00062.

Submissions (5):

Labcorp Genetics (formerly Invitae), Labcorp
Classification: Benign for Epilepsy, X-linked 1, with variable learning disabilities and behavior disorders. Last evaluated: 2025-11-13. Review status: criteria provided, single submitter. Criteria: Invitae Variant Classification Sherloc (09022015). Collection method: clinical testing. Allele origin: germline.

CeGaT Center for Human Genetics Tuebingen
Classification: Likely benign. Last evaluated: 2018-10-01. Review status: criteria provided, single submitter. Criteria: CeGaT Center For Human Genetics Tuebingen Variant Classification Criteria Version 2. Collection method: clinical testing. Allele origin: germline. Affected: yes. Observed: 1 variant allele.

GeneDx
Classification: Uncertain significance. Last evaluated: 2015-01-14. Review status: criteria provided, single submitter. Criteria: GeneDx Variant Classification (06012015). Collection method: clinical testing. Allele origin: germline. Affected: yes.
Comment: p.His433Tyr (CAT>TAT): c.1297 C>T in exon 10 of the SYN1 gene (NM_133499.2) A variant of unknown significance has been identified in the SYN1 gene. The H433Y missense change has not been published as a mutation, nor has it been reported as a benign polymorphism to our knowledge. It was not observed with any significant frequency in approximately 6,500 individuals of European and African American ancestry in the NHLBI Exome Sequencing Project. The H433Y variant is a non-conservative amino acid substitution, which is likely to impact secondary protein structure as these residues differ in polarity, charge, size and/or other properties. This substitution occurs at a position that is conserved across species. However, multiple in silico algorithms predict it is non-pathogenic. Therefore, based on the currently available information, it is unclear whether H433Y is a disease-causing mutation or a rare benign variant. The variant is found in CHILD-EPI, EPILEPSY panel(s).

PreventionGenetics, part of Exact Sciences
Classification: Likely benign for SYN1-related condition. Last evaluated: 2022-02-22. Review status: no assertion criteria provided. Collection method: clinical testing. Allele origin: germline. Not counted in ClinVar's aggregate classification.
Comment: This variant is classified as likely benign based on ACMG/AMP sequence variant interpretation guidelines (Richards et al. 2015 PMID: 25741868, with internal and published modifications).

NeuroMeGen, Hospital Clinico Santiago de Compostela
Classification: Likely pathogenic for Epilepsy, X-linked 1, with variable learning disabilities and behavior disorders. Last evaluated: 2018-01-01. Review status: flagged submission. Criteria: ACMG Guidelines, 2015. Collection method: clinical testing. Allele origin: unknown. Affected: yes. Observed: 1 hemizygote. Not counted in ClinVar's aggregate classification.
ClinVar note: Reason: Outlier claim with insufficient supporting evidence